The following is an entry in ClinVar:

NM_025114.4(CEP290):c.593G>T (p.Arg198Ile)

Gene: CEP290 (centrosomal protein 290; minus strand). Cytogenetic location: 12q21.32.
Variant type: single nucleotide variant.
Coding change: c.593G>T on transcript NM_025114.4 (MANE Select); coding-DNA position 593, G replaced by T.
Protein change: p.Arg198Ile; replaces arginine 198 with isoleucine.
Molecular consequence: missense variant.
Genome position (GRCh38, 1-based): chr12:88,130,344, C>A on the plus strand (G>T on the coding strand, the complement: CEP290 is on the minus strand). VCF-style: chr12-88130344-C-A. GRCh37 (hg19) VCF-style: chr12-88524121-C-A.
Other names: short protein forms R198I.
Identifiers: ClinVar variation 2581586 (VCV002581586.1), dbSNP rs761225738, ClinGen allele CA385986330.

ClinVar aggregate classification (germline): Uncertain significance (1 of 4 stars; one submission).

Submission:

Women's Health and Genetics/Laboratory Corporation of America, LabCorp
Classification: Uncertain significance. Last evaluated: 2023-08-08. Review status: criteria provided, single submitter. Criteria: LabCorp Variant Classification Summary - May 2015. Collection method: clinical testing. Allele origin: germline.
Comment: Variant summary: CEP290 c.593G>T (p.Arg198Ile) results in a non-conservative amino acid change in the encoded protein sequence. Four of five in-silico tools predict a damaging effect of the variant on protein function. The variant was absent in 246056 control chromosomes (gnomAD). The available data on variant occurrences in the general population are insufficient to allow any conclusion about variant significance. To our knowledge, no occurrence of c.593G>T in individuals affected with Meckel Syndrome Type 4 and no experimental evidence demonstrating its impact on protein function have been reported. No submitters have cited clinical-significance assessments for this variant to ClinVar after 2014. Based on the evidence outlined above, the variant was classified as uncertain significance.